The following is an entry in ClinVar:

ClinVar aggregate classification (germline): Uncertain significance (1 of 4 stars; one submission).

Conditions:
Primary dilated cardiomyopathy (DCM). Also called: Dilated Cardiomyopathy. Identifiers: Orphanet 217604, MedGen C0007193, MeSH D002311, MONDO:0005021, HP:0001644. Inheritance: Various modes of inheritance.
Hypertrophic cardiomyopathy. Also called: HYPERTROPHIC MYOCARDIOPATHY. Identifiers: Orphanet 217569, MedGen C0007194, MeSH D002312, MONDO:0005045, HP:0001639.

Submission:

Labcorp Genetics (formerly Invitae), Labcorp
Classification: Uncertain significance for Hypertrophic cardiomyopathy; Primary dilated cardiomyopathy. Last evaluated: 2024-01-28. Review status: criteria provided, single submitter. Criteria: Invitae Variant Classification Sherloc (09022015). Collection method: clinical testing. Allele origin: germline.
Comment: This sequence change replaces valine, which is neutral and non-polar, with leucine, which is neutral and non-polar, at codon 127 of the PDLIM3 protein (p.Val127Leu). This variant is not present in population databases (gnomAD no frequency). This variant has not been reported in the literature in individuals affected with PDLIM3-related conditions. An algorithm developed to predict the effect of missense changes on protein structure and function (PolyPhen-2) suggests that this variant is likely to be tolerated. In summary, the available evidence is currently insufficient to determine the role of this variant in disease. Therefore, it has been classified as a Variant of Uncertain Significance.

NM_014476.6(PDLIM3):c.379G>T (p.Val127Leu)

Genes: PDLIM3 (PDZ and LIM domain 3; minus strand), LOC126807246 (BRD4-independent group 4 enhancer GRCh37_chr4:186434842-186436041; plus strand). Cytogenetic location: 4q35.1.
Variant type: single nucleotide variant.
Coding change: c.379G>T on transcript NM_014476.6 (MANE Select); coding-DNA position 379, G replaced by T.
Protein change: p.Val127Leu; replaces valine 127 with leucine.
Molecular consequence: missense variant. On other transcripts: intron variant (1).
Genome position (GRCh38, 1-based): chr4:185,514,289, C>A on the plus strand (G>T on the coding strand, the complement: PDLIM3 is on the minus strand). VCF-style: chr4-185514289-C-A. GRCh37 (hg19) VCF-style: chr4-186435443-C-A.
Other names: c.379G>T, p.Val127Leu (NM_001257962.2); c.142G>T, p.Val48Leu (NM_001257963.2); c.518+414G>T (NM_001114107.5); short protein forms V127L, V48L.
Identifiers: ClinVar variation 3754130 (VCV003754130.2).